The following is an entry in ClinVar:

ClinVar aggregate classification (germline): Uncertain significance (1 of 4 stars; one submission).

Conditions:
Cardiovascular phenotype. Identifiers: MedGen CN230736.

Submission:

Ambry Genetics
Classification: Uncertain significance for Cardiovascular phenotype. Last evaluated: 2023-05-11. Review status: criteria provided, single submitter. Criteria: Ambry Variant Classification Scheme 2023. Collection method: clinical testing. Allele origin: germline.
Comment: The p.L531V variant (also known as c.1591C>G), located in coding exon 12 of the APOB gene, results from a C to G substitution at nucleotide position 1591. The leucine at codon 531 is replaced by valine, an amino acid with highly similar properties. This amino acid position is conserved. In addition, this alteration is predicted to be tolerated by in silico analysis. Since supporting evidence is limited at this time, the clinical significance of this alteration remains unclear.

NM_000384.3(APOB):c.1591C>G (p.Leu531Val)

Gene: APOB (apolipoprotein B; minus strand). Cytogenetic location: 2p24.1.
Variant type: single nucleotide variant.
Coding change: c.1591C>G on transcript NM_000384.3 (MANE Select); coding-DNA position 1591, C replaced by G.
Protein change: p.Leu531Val; replaces leucine 531 with valine.
Molecular consequence: missense variant.
Genome position (GRCh38, 1-based): chr2:21,029,665, G>C on the plus strand (C>G on the coding strand, the complement: APOB is on the minus strand). VCF-style: chr2-21029665-G-C. GRCh37 (hg19) VCF-style: chr2-21252537-G-C.
Other names: short protein forms L531V.
Identifiers: ClinVar variation 2565859 (VCV002565859.2), dbSNP rs1663827784, ClinGen allele CA346014926.